The following is an entry in ClinVar:

ClinVar aggregate classification (germline): Uncertain significance (1 of 4 stars; one submission).

Conditions:
Developmental and epileptic encephalopathy, 34 (DEE34). Also called: Early infantile epileptic encephalopathy 34; SLC12A5-Related Epilepsy of Infancy with Migrating Focal Seizures. Identifiers: Orphanet 293181, MedGen C4225257, MONDO:0014718, OMIM 616645.

Submission:

Labcorp Genetics (formerly Invitae), Labcorp
Classification: Uncertain significance for Developmental and epileptic encephalopathy, 34. Last evaluated: 2021-12-15. Review status: criteria provided, single submitter. Criteria: Invitae Variant Classification Sherloc (09022015). Collection method: clinical testing. Allele origin: germline.
Comment: In summary, the available evidence is currently insufficient to determine the role of this variant in disease. Therefore, it has been classified as a Variant of Uncertain Significance. Algorithms developed to predict the effect of missense changes on protein structure and function (SIFT, PolyPhen-2, Align-GVGD) all suggest that this variant is likely to be tolerated. This variant has not been reported in the literature in individuals affected with SLC12A5-related conditions. This variant is not present in population databases (gnomAD no frequency). This sequence change replaces valine, which is neutral and non-polar, with alanine, which is neutral and non-polar, at codon 445 of the SLC12A5 protein (p.Val445Ala).

NM_020708.5(SLC12A5):c.1334T>C (p.Val445Ala)

Gene: SLC12A5 (solute carrier family 12 member 5; plus strand). Cytogenetic location: 20q13.12.
Variant type: single nucleotide variant.
Coding change: c.1334T>C on transcript NM_020708.5 (MANE Select); coding-DNA position 1334, T replaced by C.
Protein change: p.Val445Ala; replaces valine 445 with alanine.
Molecular consequence: missense variant.
Genome position (GRCh38, 1-based): chr20:46,043,729, T>C. VCF-style: chr20-46043729-T-C. GRCh37 (hg19) VCF-style: chr20-44672368-T-C.
Other names: c.1403T>C, p.Val468Ala (NM_001134771.2); short protein forms V445A, V468A.
Identifiers: ClinVar variation 1397125 (VCV001397125.6), dbSNP rs2145492118, ClinGen allele CA409193161.